The following is an entry in ClinVar:

NM_000218.3(KCNQ1):c.1112C>A (p.Ala371Glu)

Gene: KCNQ1 (potassium voltage-gated channel subfamily Q member 1; plus strand). Cytogenetic location: 11p15.5.
Variant type: single nucleotide variant.
Coding change: c.1112C>A on transcript NM_000218.3 (MANE Select); coding-DNA position 1112, C replaced by A.
Protein change: p.Ala371Glu; replaces alanine 371 with glutamic acid.
Molecular consequence: missense variant.
Genome position (GRCh38, 1-based): chr11:2,585,291, C>A. VCF-style: chr11-2585291-C-A. GRCh37 (hg19) VCF-style: chr11-2606521-C-A.
Other names: c.842C>A, p.Ala281Glu (NM_001406837.1); c.731C>A, p.Ala244Glu (NM_181798.2); short protein forms A371E, A244E, A281E.
Identifiers: ClinVar variation 1038475 (VCV001038475.8), dbSNP rs1848577150, ClinGen allele CA379133925.

ClinVar aggregate classification (germline): Likely pathogenic (1 of 4 stars; one submission).

Conditions:
Long QT syndrome (LQTS). Identifiers: MedGen C0023976, MeSH D008133, MONDO:0002442. Disease mechanism: loss of function. Inheritance: Various modes of inheritance.

Submission:

Labcorp Genetics (formerly Invitae), Labcorp
Classification: Likely pathogenic for Long QT syndrome. Last evaluated: 2025-07-16. Review status: criteria provided, single submitter. Criteria: Invitae Variant Classification Sherloc (09022015). Collection method: clinical testing. Allele origin: germline.
Comment: This sequence change replaces alanine, which is neutral and non-polar, with glutamic acid, which is acidic and polar, at codon 371 of the KCNQ1 protein (p.Ala371Glu). This variant is not present in population databases (gnomAD no frequency). This variant has not been reported in the literature in individuals affected with KCNQ1-related conditions. ClinVar contains an entry for this variant (Variation ID: 1038475). Invitae Evidence Modeling of protein sequence and biophysical properties (such as structural, functional, and spatial information, amino acid conservation, physicochemical variation, residue mobility, and thermodynamic stability) indicates that this missense variant is expected to disrupt KCNQ1 protein function with a positive predictive value of 95%. This variant disrupts the p.Ala371 amino acid residue in KCNQ1. Other variant(s) that disrupt this residue have been determined to be pathogenic (PMID: 9386136, 10973849, 16556865, 20196769). This suggests that this residue is clinically significant, and that variants that disrupt this residue are likely to be disease-causing. In summary, the currently available evidence indicates that the variant is pathogenic, but additional data are needed to prove that conclusively. Therefore, this variant has been classified as Likely Pathogenic.

Literature cited by the submitters: PubMed 9386136; PubMed 10973849; PubMed 16556865; PubMed 20196769.